The following is an entry in ClinVar:

ClinVar aggregate classification (germline): Uncertain significance (1 of 4 stars; one submission).

Conditions:
Inborn genetic diseases. Identifiers: MedGen C0950123, MeSH D030342.

Submission:

Ambry Genetics
Classification: Uncertain significance for Inborn genetic diseases. Last evaluated: 2025-05-17. Review status: criteria provided, single submitter. Criteria: Ambry Variant Classification Scheme 2023. Collection method: clinical testing. Allele origin: germline.
Comment: The p.L313V variant (also known as c.937C>G), located in coding exon 9 of the CEP57 gene, results from a C to G substitution at nucleotide position 937. The leucine at codon 313 is replaced by valine, an amino acid with highly similar properties. This amino acid position is conserved. In addition, the in silico prediction for this alteration is inconclusive. Based on the available evidence, the clinical significance of this variant remains unclear.

NM_014679.5(CEP57):c.937C>G (p.Leu313Val)

Gene: CEP57 (centrosomal protein 57; plus strand). Cytogenetic location: 11q21.
Variant type: single nucleotide variant.
Coding change: c.937C>G on transcript NM_014679.5 (MANE Select); coding-DNA position 937, C replaced by G.
Protein change: p.Leu313Val; replaces leucine 313 with valine.
Molecular consequence: missense variant.
Genome position (GRCh38, 1-based): chr11:95,827,837, C>G. VCF-style: chr11-95827837-C-G. GRCh37 (hg19) VCF-style: chr11-95561001-C-G.
Other names: c.910C>G, p.Leu304Val (NM_001243776.2); c.859C>G, p.Leu287Val (NM_001243777.2); c.856C>G, p.Leu286Val (NM_001363604.2); short protein forms L287V, L313V, L286V, L304V.
Identifiers: ClinVar variation 4001054 (VCV004001054.1).
Genomic context (GRCh38, chr11:95,827,837, plus strand): 5'-TTCCTTTAGTCCACAAGCCCTAGCCATGCCGTGGTAGCCAATGTTCAGCTTGTCTTGCAT[C>G]TAATGAAGCAACACAGTAAAGCTTTGTGCAATGATCGAGTCATCAACAGTATTCCTTTGG-3'
Protein context (NP_055494.2, residues 303-323): VVANVQLVLH[Leu313Val]MKQHSKALCN